The following is an entry in ClinVar:

ClinVar aggregate classification (germline): Uncertain significance. Review status: criteria provided, multiple submitters, no conflicts (2 of 4 stars). 2 submissions from 2 submitters: Uncertain significance (2). Last evaluated 2022-08-09.

Conditions:
Glycogen storage disease, type V (GSD5). Also called: McArdle type glycogen storage disease; MCARDLE DISEASE; MUSCLE GLYCOGEN PHOSPHORYLASE DEFICIENCY; MYOPHOSPHORYLASE DEFICIENCY; PYGM DEFICIENCY. Identifiers: Orphanet 368, MedGen C0017924, MONDO:0009293, OMIM 232600.

Allele frequency attached by ClinVar (database versions not stated): gnomAD 0.00003; gnomAD exomes 0.00003; TOPMed 0.00003; ExAC 0.00004; ESP Exome Variant Server 0.00008.

Submissions (2):

Labcorp Genetics (formerly Invitae), Labcorp
Classification: Uncertain significance for Glycogen storage disease, type V. Last evaluated: 2022-08-09. Review status: criteria provided, single submitter. Criteria: Invitae Variant Classification Sherloc (09022015). Collection method: clinical testing. Allele origin: germline.
Comment: This sequence change replaces proline, which is neutral and non-polar, with serine, which is neutral and polar, at codon 498 of the PYGM protein (p.Pro498Ser). This variant is present in population databases (rs200101718, gnomAD 0.006%). This variant has not been reported in the literature in individuals affected with PYGM-related conditions. ClinVar contains an entry for this variant (Variation ID: 1306104). Algorithms developed to predict the effect of missense changes on protein structure and function are either unavailable or do not agree on the potential impact of this missense change (SIFT: "Not Available"; PolyPhen-2: "Probably Damaging"; Align-GVGD: "Not Available"). In summary, the available evidence is currently insufficient to determine the role of this variant in disease. Therefore, it has been classified as a Variant of Uncertain Significance.

GeneDx
Classification: Uncertain significance. Last evaluated: 2019-05-28. Review status: criteria provided, single submitter. Criteria: GeneDx Variant Classification Process June 2021. Collection method: clinical testing. Allele origin: germline. Affected: yes.
Comment: In silico analysis, which includes protein predictors and evolutionary conservation, supports a deleterious effect; Has not been previously published as pathogenic or benign to our knowledge

NM_005609.4(PYGM):c.1492C>T (p.Pro498Ser)

Gene: PYGM (glycogen phosphorylase, muscle associated; minus strand). Cytogenetic location: 11q13.1.
Variant type: single nucleotide variant.
Coding change: c.1492C>T on transcript NM_005609.4 (MANE Select); coding-DNA position 1492, C replaced by T.
Protein change: p.Pro498Ser; replaces proline 498 with serine.
Molecular consequence: missense variant.
Genome position (GRCh38, 1-based): chr11:64,753,099, G>A on the plus strand (C>T on the coding strand, the complement: PYGM is on the minus strand). VCF-style: chr11-64753099-G-A. GRCh37 (hg19) VCF-style: chr11-64520571-G-A.
Other names: c.1228C>T, p.Pro410Ser (NM_001164716.1); short protein forms P410S, P498S.
Identifiers: ClinVar variation 1306104 (VCV001306104.3), dbSNP rs200101718, ClinGen allele CA6079846.